The following is an entry in ClinVar:

ClinVar aggregate classification (germline): Likely benign. Review status: criteria provided, multiple submitters, no conflicts (2 of 4 stars). 3 submissions from 3 submitters: Likely benign (3). Last evaluated 2026-07-13.

Conditions:
LRP5-related disorder. Also called: LRP5-related condition.

Allele frequency attached by ClinVar (database versions not stated): gnomAD exomes 0.00004 and 0.00006; gnomAD 0.00005 and 0.00006; TOPMed 0.00005; ExAC 0.00009.

Submissions (3):

PreventionGenetics, part of Exact Sciences
Classification: Likely benign for LRP5-related condition. Last evaluated: 2026-07-13. Review status: criteria provided, single submitter. Criteria: ACMG Guidelines, 2015. Collection method: clinical testing. Allele origin: germline.
Comment: This variant is classified as likely benign based on ACMG/AMP sequence variant interpretation guidelines (Richards et al. 2015 PMID: 25741868, with internal and published modifications).

Labcorp Genetics (formerly Invitae), Labcorp
Classification: Likely benign. Last evaluated: 2025-08-14. Review status: criteria provided, single submitter. Criteria: Invitae Variant Classification Sherloc (09022015). Collection method: clinical testing. Allele origin: germline.

Blueprint Genetics
Classification: Likely benign. Last evaluated: 2024-11-13. Review status: criteria provided, single submitter. Criteria: ACMG Guidelines, 2015. Collection method: clinical testing. Allele origin: germline.

NM_002335.4(LRP5):c.1638G>A (p.Pro546=)

Gene: LRP5 (LDL receptor related protein 5; plus strand). Cytogenetic location: 11q13.2.
Variant type: single nucleotide variant.
Coding change: c.1638G>A on transcript NM_002335.4 (MANE Select); coding-DNA position 1638, G replaced by A.
Protein change: p.Pro546=; no amino-acid change (proline 546 retained).
Molecular consequence: synonymous variant. On other transcripts: 5 prime UTR variant (1).
Genome position (GRCh38, 1-based): chr11:68,403,536, G>A. VCF-style: chr11-68403536-G-A. GRCh37 (hg19) VCF-style: chr11-68171004-G-A.
Other names: c.1638G>A (NM_002335.3); c.-300G>A (NM_001291902.2).
Identifiers: ClinVar variation 1080048 (VCV001080048.11), dbSNP rs774083040, ClinGen allele CA6149397.